The following is an entry in ClinVar:

ClinVar aggregate classification (germline): Likely benign (0 of 4 stars; one submission).

Conditions:
NDRG4-related disorder. Also called: NDRG4-related condition.

Allele frequency attached by ClinVar (database versions not stated): gnomAD exomes 0.00004; TOPMed 0.00004; gnomAD 0.00006; ExAC 0.00007.
gnomAD v4.1: 69 of 1,612,796 alleles (0.0043%); highest among the groups gnomAD compares: Admixed American, 0.01%; no homozygotes.

Submission:

PreventionGenetics, part of Exact Sciences
Classification: Likely benign for NDRG4-related condition. Last evaluated: 2019-05-23. Review status: no assertion criteria provided. Collection method: clinical testing. Allele origin: germline.
Comment: This variant is classified as likely benign based on ACMG/AMP sequence variant interpretation guidelines (Richards et al. 2015 PMID: 25741868, with internal and published modifications).

NM_001242835.2(NDRG4):c.957C>T (p.Thr319=)

Gene: NDRG4 (NDRG family member 4; plus strand). Cytogenetic location: 16q21.
Variant type: single nucleotide variant.
Coding change: c.957C>T on transcript NM_001242835.2 (MANE Select); coding-DNA position 957, C replaced by T.
Protein change: p.Thr319=; no amino-acid change (threonine 319 retained).
Molecular consequence: synonymous variant. On other transcripts: non-coding transcript variant (1).
Genome position (GRCh38, 1-based): chr16:58,511,474, C>T. VCF-style: chr16-58511474-C-T. GRCh37 (hg19) VCF-style: chr16-58545378-C-T.
Other names: c.1074C>T, p.Thr358= (NM_001130487.2); c.1008C>T, p.Thr336= (NM_001242833.2); c.972C>T, p.Thr324= (NM_001242834.2); c.918C>T, p.Thr306= (NM_001242836.2); c.753C>T, p.Thr251= (NM_001363869.2); c.1203C>T, p.Thr401= (NM_001378332.1); c.1167C>T, p.Thr389= (NM_001378333.1); c.1164C>T, p.Thr388= (NM_001378334.1); and 10 more.
Identifiers: ClinVar variation 3039710 (VCV003039710.2), dbSNP rs768237344, ClinGen allele CA8087814.